The following is an entry in ClinVar:

ClinVar aggregate classification (germline): Pathogenic (1 of 4 stars; one submission).

Submission:

Labcorp Genetics (formerly Invitae), Labcorp
Classification: Pathogenic. Last evaluated: 2024-03-20. Review status: criteria provided, single submitter. Criteria: Invitae Variant Classification Sherloc (09022015). Collection method: clinical testing. Allele origin: germline.
Comment: This sequence change creates a premature translational stop signal (p.Trp615*) in the ACAN gene. It is expected to result in an absent or disrupted protein product. Loss-of-function variants in ACAN are known to be pathogenic (PMID: 16080123, 24762113). This variant is not present in population databases (gnomAD no frequency). This variant has not been reported in the literature in individuals affected with ACAN-related conditions. For these reasons, this variant has been classified as Pathogenic.

Literature cited by the submitters: PubMed 16080123; PubMed 24762113.

NM_001369268.1(ACAN):c.1845G>A (p.Trp615Ter)

Gene: ACAN (aggrecan; plus strand). Cytogenetic location: 15q26.1.
Variant type: single nucleotide variant.
Coding change: c.1845G>A on transcript NM_001369268.1 (MANE Select); coding-DNA position 1845, G replaced by A.
Protein change: p.Trp615Ter; replaces tryptophan 615 with a stop codon.
Molecular consequence: nonsense.
Genome position (GRCh38, 1-based): chr15:88,849,550, G>A. VCF-style: chr15-88849550-G-A. GRCh37 (hg19) VCF-style: chr15-89392781-G-A.
Other names: c.1845G>A, p.Trp615Ter (NM_001135.4, NM_001411096.1, NM_001411097.1 and 1 more transcripts); short protein forms W615*.
Identifiers: ClinVar variation 3647006 (VCV003647006.2).